The following is an entry in ClinVar:

NM_013372.7(GREM1):c.386G>A (p.Arg129Lys)

Gene: GREM1 (gremlin 1, DAN family BMP antagonist; plus strand). Cytogenetic location: 15q13.3.
Variant type: single nucleotide variant.
Coding change: c.386G>A on transcript NM_013372.7 (MANE Select); coding-DNA position 386, G replaced by A.
Protein change: p.Arg129Lys; replaces arginine 129 with lysine.
Molecular consequence: missense variant.
Genome position (GRCh38, 1-based): chr15:32,731,076, G>A. VCF-style: chr15-32731076-G-A. GRCh37 (hg19) VCF-style: chr15-33023277-G-A.
Other names: c.176G>A, p.Arg59Lys (NM_001191322.2); c.263G>A, p.Arg88Lys (NM_001191323.2); c.386G>A, p.Arg129Lys (NM_001368719.1); short protein forms R129K, R59K, R88K.
Identifiers: ClinVar variation 1735685 (VCV001735685.2), dbSNP rs762152055, ClinGen allele CA7456159.

ClinVar aggregate classification (germline): Uncertain significance (1 of 4 stars; one submission).

Conditions:
Hereditary cancer-predisposing syndrome. Also called: Neoplastic Syndromes, Hereditary; Tumor predisposition; Hereditary Cancer Syndrome; Hereditary neoplastic syndrome. Identifiers: Orphanet 140162, MedGen C0027672, MeSH D009386, MONDO:0015356.

Allele frequency attached by ClinVar (database versions not stated): TOPMed below 0.00001; gnomAD 0.00001.

Submission:

Ambry Genetics
Classification: Uncertain significance for Hereditary cancer-predisposing syndrome. Last evaluated: 2024-02-24. Review status: criteria provided, single submitter. Criteria: Ambry Variant Classification Scheme 2023. Collection method: clinical testing. Allele origin: germline.
Comment: The p.R129K variant (also known as c.386G>A), located in coding exon 1 of the GREM1 gene, results from a G to A substitution at nucleotide position 386. The arginine at codon 129 is replaced by lysine, an amino acid with highly similar properties. This amino acid position is conserved. In addition, the in silico prediction for this alteration is inconclusive. Since supporting evidence is limited at this time, the clinical significance of this alteration remains unclear.